The following is an entry in ClinVar:

NM_022552.5(DNMT3A):c.697C>G (p.Pro233Ala)

Gene: DNMT3A (DNA methyltransferase 3 alpha; minus strand). Cytogenetic location: 2p23.3.
Variant type: single nucleotide variant.
Coding change: c.697C>G on transcript NM_022552.5 (MANE Select); coding-DNA position 697, C replaced by G.
Protein change: p.Pro233Ala; replaces proline 233 with alanine.
Molecular consequence: missense variant. On other transcripts: non-coding transcript variant (1).
Genome position (GRCh38, 1-based): chr2:25,248,195, G>C on the plus strand (C>G on the coding strand, the complement: DNMT3A is on the minus strand). VCF-style: chr2-25248195-G-C. GRCh37 (hg19) VCF-style: chr2-25471064-G-C.
Other names: c.697C>G (NM_022552.3); c.241C>G, p.Pro81Ala (NM_001320893.1); c.28C>G, p.Pro10Ala (NM_001375819.1); c.130C>G, p.Pro44Ala (NM_153759.3); c.697C>G, p.Pro233Ala (NM_175629.2); short protein forms P10A, P233A, P44A, P81A.
Identifiers: ClinVar variation 3356019 (VCV003356019.3).

ClinVar aggregate classification (germline): Uncertain significance. Review status: criteria provided, multiple submitters, no conflicts (2 of 4 stars). 3 submissions from 3 submitters: Uncertain significance (2). 1 of the submissions does not count toward it. Last evaluated 2025-10-23.

Conditions:
DNMT3A-related disorder. Also called: DNMT3A-related condition; DNMT3A-related disorders.
Inborn genetic diseases. Identifiers: MedGen C0950123, MeSH D030342.
Tatton-Brown-Rahman overgrowth syndrome. Also called: Tall stature-intellectual disability-facial dysmorphism syndrome; Tatton-Brown-Rahman syndrome. Identifiers: Orphanet 404443, MedGen C4014545, MONDO:0014382, OMIM 615879.

gnomAD v4.1: 2 of 1,613,180 alleles (0.00012%); highest among the groups gnomAD compares: African/African-American, 0.0027%; no homozygotes.

Submissions (3):

Labcorp Genetics (formerly Invitae), Labcorp
Classification: Uncertain significance for Tatton-Brown-Rahman overgrowth syndrome. Last evaluated: 2025-10-23. Review status: criteria provided, single submitter. Criteria: Invitae Variant Classification Sherloc (09022015). Collection method: clinical testing. Allele origin: germline.
Comment: This sequence change replaces proline, which is neutral and non-polar, with alanine, which is neutral and non-polar, at codon 233 of the DNMT3A protein (p.Pro233Ala). This variant is present in population databases (rs751474744, gnomAD 0.01%). This variant has not been reported in the literature in individuals affected with DNMT3A-related conditions. ClinVar contains an entry for this variant (Variation ID: 3356019). Invitae Evidence Modeling of protein sequence and biophysical properties (such as structural, functional, and spatial information, amino acid conservation, physicochemical variation, residue mobility, and thermodynamic stability) indicates that this missense variant is not expected to disrupt DNMT3A protein function with a negative predictive value of 95%. In summary, the available evidence is currently insufficient to determine the role of this variant in disease. Therefore, it has been classified as a Variant of Uncertain Significance.

Ambry Genetics
Classification: Uncertain significance for Inborn genetic diseases. Last evaluated: 2024-12-04. Review status: criteria provided, single submitter. Criteria: Ambry Variant Classification Scheme 2023. Collection method: clinical testing. Allele origin: germline.
Comment: The p.P233A variant (also known as c.697C>G), located in coding exon 6 of the DNMT3A gene, results from a C to G substitution at nucleotide position 697. The proline at codon 233 is replaced by alanine, an amino acid with highly similar properties. This amino acid position is conserved. In addition, this alteration is predicted to be tolerated by in silico analysis. Based on the available evidence, the clinical significance of this variant remains unclear.

PreventionGenetics, part of Exact Sciences
Classification: Uncertain significance for DNMT3A-related condition. Last evaluated: 2024-05-24. Review status: no assertion criteria provided. Collection method: clinical testing. Allele origin: germline. Not counted in ClinVar's aggregate classification.
Comment: The DNMT3A c.697C>G variant is predicted to result in the amino acid substitution p.Pro233Ala. To our knowledge, this variant has not been reported in the literature. This variant is reported in 0.012% of alleles in individuals of African descent in gnomAD. At this time, the clinical significance of this variant is uncertain due to the absence of conclusive functional and genetic evidence.